The following is an entry in ClinVar:

ClinVar aggregate classification (germline): Uncertain significance. Review status: criteria provided, multiple submitters, no conflicts (2 of 4 stars). 2 submissions from 2 submitters: Uncertain significance (2). Last evaluated 2025-10-01.

Conditions:
Inborn genetic diseases. Identifiers: MedGen C0950123, MeSH D030342.
Neuronal ceroid lipofuscinosis. Also called: Neuronal Ceroid Lipofuscinoses. Identifiers: Orphanet 216, Orphanet 79263, MedGen C0027877, MONDO:0016295. Disease mechanism: loss of function.

Allele frequency attached by ClinVar (database versions not stated): gnomAD exomes below 0.00001; ExAC 0.00001; gnomAD 0.00001; TOPMed 0.00002.
gnomAD v4.1: 4 of 1,614,062 alleles (0.00025%); highest among the groups gnomAD compares: Admixed American, 0.0017%; no homozygotes.

Submissions (2):

Labcorp Genetics (formerly Invitae), Labcorp
Classification: Uncertain significance for Neuronal ceroid lipofuscinosis. Last evaluated: 2025-10-01. Review status: criteria provided, single submitter. Criteria: Invitae Variant Classification Sherloc (09022015). Collection method: clinical testing. Allele origin: germline.
Comment: This sequence change replaces valine, which is neutral and non-polar, with methionine, which is neutral and non-polar, at codon 211 of the CTSD protein (p.Val211Met). This variant is present in population databases (rs779469223, gnomAD 0.007%). This variant has not been reported in the literature in individuals affected with CTSD-related conditions. ClinVar contains an entry for this variant (Variation ID: 949418). An algorithm developed to predict the effect of missense changes on protein structure and function (PolyPhen-2) suggests that this variant is likely to be disruptive. In summary, the available evidence is currently insufficient to determine the role of this variant in disease. Therefore, it has been classified as a Variant of Uncertain Significance.

Ambry Genetics
Classification: Uncertain significance for Inborn genetic diseases. Last evaluated: 2024-09-20. Review status: criteria provided, single submitter. Criteria: Ambry Variant Classification Scheme 2023. Collection method: clinical testing. Allele origin: germline.

NM_001909.5(CTSD):c.631G>A (p.Val211Met)

Gene: CTSD (cathepsin D; minus strand). Cytogenetic location: 11p15.5.
Variant type: single nucleotide variant.
Coding change: c.631G>A on transcript NM_001909.5 (MANE Select); coding-DNA position 631, G replaced by A.
Protein change: p.Val211Met; replaces valine 211 with methionine.
Molecular consequence: missense variant.
Genome position (GRCh38, 1-based): chr11:1,757,397, C>T on the plus strand (G>A on the coding strand, the complement: CTSD is on the minus strand). VCF-style: chr11-1757397-C-T. GRCh37 (hg19) VCF-style: chr11-1778627-C-T.
Other names: short protein forms V211M.
Identifiers: ClinVar variation 949418 (VCV000949418.10), dbSNP rs779469223, ClinGen allele CA5814123.